The following is an entry in ClinVar:

NM_024747.6(HPS6):c.1894C>T (p.Arg632Trp)

Gene: HPS6 (HPS6 biogenesis of lysosomal organelles complex 2 subunit 3; plus strand). Cytogenetic location: 10q24.32.
Variant type: single nucleotide variant.
Coding change: c.1894C>T on transcript NM_024747.6 (MANE Select); coding-DNA position 1894, C replaced by T.
Protein change: p.Arg632Trp; replaces arginine 632 with tryptophan.
Molecular consequence: missense variant.
Genome position (GRCh38, 1-based): chr10:102,067,368, C>T. VCF-style: chr10-102067368-C-T. GRCh37 (hg19) VCF-style: chr10-103827125-C-T.
Other names: c.1894C>T (NM_024747.5); short protein forms R632W.
Identifiers: ClinVar variation 1468435 (VCV001468435.4), dbSNP rs762947367, ClinGen allele CA5660058.

ClinVar aggregate classification (germline): Uncertain significance. Review status: criteria provided, multiple submitters, no conflicts (2 of 4 stars). 2 submissions from 2 submitters: Uncertain significance (2). Last evaluated 2024-08-12.

Conditions:
Inborn genetic diseases. Identifiers: MedGen C0950123, MeSH D030342.

Allele frequency attached by ClinVar (database versions not stated): gnomAD 0.00002; TOPMed 0.00002.
gnomAD v4.1: 16 of 1,612,682 alleles (0.00099%); highest among the groups gnomAD compares: East Asian, 0.0089%; no homozygotes.

Submissions (2):

Ambry Genetics
Classification: Uncertain significance for Inborn genetic diseases. Last evaluated: 2024-08-12. Review status: criteria provided, single submitter. Criteria: Ambry Variant Classification Scheme 2023. Collection method: clinical testing. Allele origin: germline.

Labcorp Genetics (formerly Invitae), Labcorp
Classification: Uncertain significance. Last evaluated: 2022-05-25. Review status: criteria provided, single submitter. Criteria: Invitae Variant Classification Sherloc (09022015). Collection method: clinical testing. Allele origin: germline.
Comment: This sequence change replaces arginine, which is basic and polar, with tryptophan, which is neutral and slightly polar, at codon 632 of the HPS6 protein (p.Arg632Trp). This variant is present in population databases (rs762947367, gnomAD 0.005%). This variant has not been reported in the literature in individuals affected with HPS6-related conditions. Algorithms developed to predict the effect of missense changes on protein structure and function (SIFT, PolyPhen-2, Align-GVGD) all suggest that this variant is likely to be disruptive. In summary, the available evidence is currently insufficient to determine the role of this variant in disease. Therefore, it has been classified as a Variant of Uncertain Significance.